The following is an entry in ClinVar:

NM_000427.3(LORICRIN):c.448G>A (p.Gly150Ser)

Gene: LORICRIN (loricrin cornified envelope precursor protein; plus strand). Cytogenetic location: 1q21.3.
Variant type: single nucleotide variant.
Coding change: c.448G>A on transcript NM_000427.3 (MANE Select); coding-DNA position 448, G replaced by A.
Protein change: p.Gly150Ser; replaces glycine 150 with serine.
Molecular consequence: missense variant.
Genome position (GRCh38, 1-based): chr1:153,261,397, G>A. VCF-style: chr1-153261397-G-A. GRCh37 (hg19) VCF-style: chr1-153233873-G-A.
Other names: short protein forms G150S.
Identifiers: ClinVar variation 4752681 (VCV004752681.1).
Genomic context (GRCh38, chr1:153,261,397, plus strand): 5'-TCCAGCGGTGGGGGCGGCTCCTCCGGGGGCGGCTCCGGCTGCTTCTCCTCCGGCGGCGGC[G>A]GCTTCTCGGGCCAGGCGGTCCAGTGCCAGAGCTACGGAGGCGTCTCTAGCGGCGGCTCCT-3'
Protein context (NP_000418.2, residues 140-160): GSGCFSSGGG[Gly150Ser]FSGQAVQCQS

ClinVar aggregate classification (germline): Uncertain significance (1 of 4 stars; one submission).

Submission:

Labcorp Genetics (formerly Invitae), Labcorp
Classification: Uncertain significance. Last evaluated: 2025-09-24. Review status: criteria provided, single submitter. Criteria: Invitae Variant Classification Sherloc (09022015). Collection method: clinical testing. Allele origin: germline.
Comment: This sequence change replaces glycine, which is neutral and non-polar, with serine, which is neutral and polar, at codon 150 of the LOR protein (p.Gly150Ser). The frequency data for this variant in the population databases is considered unreliable, as metrics indicate poor data quality at this position in the gnomAD database. This variant has not been reported in the literature in individuals affected with LOR-related conditions. An algorithm developed to predict the effect of missense changes on protein structure and function outputs the following: PolyPhen-2: "Not Available". The serine amino acid residue is found in multiple mammalian species, which suggests that this missense change does not adversely affect protein function. In summary, the available evidence is currently insufficient to determine the role of this variant in disease. Therefore, it has been classified as a Variant of Uncertain Significance.